The following is an entry in ClinVar:

NM_003480.4(MFAP5):c.472C>T (p.Arg158Ter)

Genes: MFAP5 (microfibril associated protein 5; minus strand), LOC126861443 (BRD4-independent group 4 enhancer GRCh37_chr12:8800473-8801672; plus strand). Cytogenetic location: 12p13.31.
Variant type: single nucleotide variant.
Coding change: c.472C>T on transcript NM_003480.4 (MANE Select); coding-DNA position 472, C replaced by T.
Protein change: p.Arg158Ter; replaces arginine 158 with a stop codon.
Molecular consequence: nonsense. On other transcripts: non-coding transcript variant (2).
Genome position (GRCh38, 1-based): chr12:8,648,141, G>A on the plus strand (C>T on the coding strand, the complement: MFAP5 is on the minus strand). VCF-style: chr12-8648141-G-A. GRCh37 (hg19) VCF-style: chr12-8800737-G-A.
Other names: c.442C>T, p.Arg148Ter (NM_001297709.2); c.406C>T, p.Arg136Ter (NM_001297710.2); c.397C>T, p.Arg133Ter (NM_001297711.2); c.280C>T, p.Arg94Ter (NM_001297712.2); short protein forms R158*, R133*, R136*, R148*, R94*.
Identifiers: ClinVar variation 162199 (VCV000162199.31), dbSNP rs727502791, ClinGen allele CA295245.
Genomic context (GRCh38, chr12:8,648,141, plus strand): 5'-TTTTCAATGATCACAGACCATTGGGTCTCTGCAAATCCACATTTTCACAGGGAGGAAGTC[G>A]GAAGTAATTGGAGCGACGGAGTCTCCTAGGGGGCAGACCAGCCATCTGACGGCAAAGCTC-3'

ClinVar aggregate classification (germline): Conflicting classifications of pathogenicity. Review status: criteria provided, conflicting classifications (1 of 4 stars). 8 submissions from 8 submitters: Pathogenic (2); Likely pathogenic (4); Uncertain significance (1). 1 of the submissions does not count toward it. Last evaluated 2025-12-09.

Conditions:
Isolated thoracic aortic aneurysm.
Aortic aneurysm, familial thoracic 9 (AAT9). Identifiers: MedGen C4015368, MONDO:0014514, OMIM 616166.

Allele frequency attached by ClinVar (database versions not stated): gnomAD exomes 0.00002 and 0.00004; ExAC 0.00004; TOPMed below 0.00001.
gnomAD v4.1: 30 of 1,613,958 alleles (0.0019%); highest among the groups gnomAD compares: East Asian, 0.027%; no homozygotes.

Submissions (8):

Labcorp Genetics (formerly Invitae), Labcorp
Classification: Likely pathogenic. Last evaluated: 2025-12-09. Review status: criteria provided, single submitter. Criteria: Invitae Variant Classification Sherloc (09022015). Collection method: clinical testing. Allele origin: germline.
Comment: This sequence change creates a premature translational stop signal (p.Arg158*) in the MFAP5 gene. While this is not anticipated to result in nonsense mediated decay, it is expected to disrupt the last 16 amino acid(s) of the MFAP5 protein. This variant is present in population databases (rs727502791, gnomAD 0.03%). This premature translational stop signal has been observed in individuals with MFAP5-related conditions (PMID: 25434006, 33824467). It has also been observed to segregate with disease in related individuals. ClinVar contains an entry for this variant (Variation ID: 162199). Algorithms developed to predict the effect of variants on gene product structure and function are not available or were not evaluated for this variant. Experimental studies have shown that this premature translational stop signal affects MFAP5 function (PMID: 25434006). In summary, the currently available evidence indicates that the variant is pathogenic, but additional data are needed to prove that conclusively. Therefore, this variant has been classified as Likely Pathogenic.

3billion
Classification: Likely pathogenic for Aortic aneurysm, familial thoracic 9. Last evaluated: 2025-10-03. Review status: criteria provided, single submitter. Criteria: ACMG Guidelines, 2015. Collection method: clinical testing. Allele origin: germline. Affected: yes.
Comment: The variant is observed at an extremely low frequency in the gnomAD v4.1.0 dataset (total allele frequency: 0.002%). Predicted Consequence/Location: Stop-gained (nonsense): predicted to result in a loss or disruption of normal protein function through protein truncation. The predicted truncated protein may be shortened by less than 10%. Functional studies provide moderate evidence of the variant having a damaging effect on the gene or gene product (PMID: 25434006). The variant has been reported at least twice as pathogenic without evidence for the classification (ClinVar ID: VCV000162199 /PMID: 25434006 /3billion dataset). Therefore, this variant is classified as Likely pathogenic according to the recommendation of ACMG/AMP guideline.

Victorian Clinical Genetics Services, Murdoch Childrens Research Institute
Classification: Uncertain significance for Aortic aneurysm, familial thoracic 9. Last evaluated: 2023-07-17. Review status: criteria provided, single submitter. Criteria: ACMG Guidelines, 2015. Collection method: clinical testing. Allele origin: germline. Inheritance: Autosomal dominant inheritance.
Comment: Based on the classification scheme VCGS_Germline_v1.3.4, this variant is classified as VUS-3A. Following criteria are met: 0102 - Loss of function is a known mechanism of disease in this gene and is associated with aortic aneurysm, familial thoracic 9, (MIM#616166). However, this gene-disease association is not yet established (PanelApp). (I) 0107 - This gene is associated with autosomal dominant disease. (I) 0205 - Variant is predicted to result in a truncated protein (premature termination codon is NOT located at least 54 nucleotides upstream of the final exon-exon junction) with less than 1/3 of the protein sequence affected. (SP) 0251 - This variant is heterozygous. (I) 0302 - Variant is present in gnomAD (v2) <0.001 for a dominant condition (11 heterozygotes, 0 homozygotes). (SP) 0600 - Variant results in the partial truncation of an annotated signal peptide (PMID: 33824467). (I) 0705 - No comparable protein truncating variants have previous evidence for pathogenicity. (I) 0801 - This variant has strong previous evidence of pathogenicity in unrelated individuals. This variant has been reported once as a VUS (LOVD), but multiple times as likely pathogenic or pathogenic (ClinVar). It has also been observed in at least two unrelated individuals with aortic aneurysm or dissection (PMID: 25434006, PMID: 33824467), but also once in a healthy cohort (PMID: 29618732). (SP) 0906 - Segregation evidence for this variant is inconclusive. This variant has segregated in a single family, where seven individuals were either affected or ambiguously affected. However, there was also a healthy obligate carrier, and another ambiguously affected individual who did not have the variant (PMID: 25434006). (I) 1001 - This variant has strong functional evidence supporting abnormal protein function. Functional studies on fibroblasts from affected individuals demonstrated a lack of extracellular protein otherwise observed in controls. This result was recapitulated in transfected HEK293 cells (PMID: 25434006). (I) Legend: (SP) - Supporting pathogenic, (I) - Information, (SB) - Supporting benign

MGZ Medical Genetics Center
Classification: Pathogenic for Aortic aneurysm, familial thoracic 9. Last evaluated: 2022-07-27. Review status: criteria provided, single submitter. Criteria: ACMG Guidelines, 2015. Collection method: clinical testing. Allele origin: germline. Affected: yes. Observed: 1 variant allele.
Comment: ACMG criteria applied: PVS1, PS3, PM2_SUP

Department of Vascular Biology, Beijing Anzhen Hospital
Classification: Likely pathogenic for Isolated thoracic aortic aneurysm. Last evaluated: 2018-09-01. Review status: criteria provided, single submitter. Criteria: ACMG Guidelines, 2015. Collection method: research. Allele origin: germline. Affected: yes.

Arcensus
Classification: Pathogenic for Aortic aneurysm, familial thoracic 9. Last evaluated: 2013-02-01. Review status: criteria provided, single submitter. Criteria: ACMG Guidelines, 2015. Collection method: clinical testing. Allele origin: germline. Affected: yes.

Juno Genomics, Hangzhou Juno Genomics, Inc
Classification: Likely pathogenic for Aortic aneurysm, familial thoracic 9. Review status: criteria provided, single submitter. Criteria: ACMG Guidelines, 2015. Collection method: clinical testing. Allele origin: germline.
Comment: Absent from controls (or at extremely low frequency if recessive) in Genome Aggregation Database.;The prevalence of the variant in affected individuals is significantly increased compared to the prevalence in controls.;Patient's phenotype or family history is highly specific for a disease with a single genetic etiology.;Co-segregation with disease in multiple affected family members.;Well-established in vitro or in vivo functional studies supportive of a damaging effect on the gene or gene product.

OMIM
Classification: Pathogenic for AORTIC ANEURYSM, FAMILIAL THORACIC 9. Last evaluated: 2014-12-04. Review status: no assertion criteria provided. Collection method: literature only. Allele origin: germline. Not counted in ClinVar's aggregate classification.

Literature cited by the submitters: PubMed 25434006 (cited by 4 submitters); PubMed 33824467 (cited by Labcorp Genetics (formerly Invitae), Labcorp and Victorian Clinical Genetics Services, Murdoch Childrens Research Institute); PubMed 29618732 (cited by Victorian Clinical Genetics Services, Murdoch Childrens Research Institute).